The following is an entry in ClinVar:

ClinVar aggregate classification (germline): Uncertain significance (1 of 4 stars; one submission).

Allele frequency attached by ClinVar (database versions not stated): gnomAD exomes 0.00001; TOPMed 0.00001.

Submission:

Labcorp Genetics (formerly Invitae), Labcorp
Classification: Uncertain significance. Last evaluated: 2024-04-12. Review status: criteria provided, single submitter. Criteria: Invitae Variant Classification Sherloc (09022015). Collection method: clinical testing. Allele origin: germline.
Comment: This sequence change replaces arginine, which is basic and polar, with cysteine, which is neutral and slightly polar, at codon 176 of the CEACAM16 protein (p.Arg176Cys). The frequency data for this variant in the population databases is considered unreliable, as metrics indicate poor data quality at this position in the gnomAD database. This variant has not been reported in the literature in individuals affected with CEACAM16-related conditions. Advanced modeling of protein sequence and biophysical properties (such as structural, functional, and spatial information, amino acid conservation, physicochemical variation, residue mobility, and thermodynamic stability) has been performed at Invitae for this missense variant, however the output from this modeling did not meet the statistical confidence thresholds required to predict the impact of this variant on CEACAM16 protein function. In summary, the available evidence is currently insufficient to determine the role of this variant in disease. Therefore, it has been classified as a Variant of Uncertain Significance.

NM_001039213.4(CEACAM16):c.526C>T (p.Arg176Cys)

Genes: CEACAM16 (CEA cell adhesion molecule 16, tectorial membrane component; plus strand), CEACAM16-AS1 (CEACAM16, CEACAM19 and PVR antisense RNA 1; minus strand). Cytogenetic location: 19q13.32.
Variant type: single nucleotide variant.
Coding change: c.526C>T on transcript NM_001039213.4 (MANE Select); coding-DNA position 526, C replaced by T.
Protein change: p.Arg176Cys; replaces arginine 176 with cysteine.
Molecular consequence: missense variant.
Genome position (GRCh38, 1-based): chr19:44,704,161, C>T. VCF-style: chr19-44704161-C-T. GRCh37 (hg19) VCF-style: chr19-45207431-C-T.
Other names: short protein forms R176C.
Identifiers: ClinVar variation 2713030 (VCV002713030.3), dbSNP rs1417666764, ClinGen allele CA406288503.